The following is an entry in ClinVar:

NM_004960.4(FUS):c.316C>A (p.Pro106Thr)

Gene: FUS (FUS RNA binding protein; plus strand). Cytogenetic location: 16p11.2.
Variant type: single nucleotide variant.
Coding change: c.316C>A on transcript NM_004960.4 (MANE Select); coding-DNA position 316, C replaced by A.
Protein change: p.Pro106Thr; replaces proline 106 with threonine.
Molecular consequence: missense variant. On other transcripts: non-coding transcript variant (1).
Genome position (GRCh38, 1-based): chr16:31,183,983, C>A. VCF-style: chr16-31183983-C-A. GRCh37 (hg19) VCF-style: chr16-31195304-C-A.
Other names: c.313C>A, p.Pro105Thr (NM_001170634.1); c.316C>A, p.Pro106Thr (NM_001170937.1); short protein forms P106T, P105T.
Identifiers: ClinVar variation 4787068 (VCV004787068.1).

ClinVar aggregate classification (germline): Uncertain significance (1 of 4 stars; one submission).

Conditions:
Tremor, hereditary essential, 4 (ETM4). Identifiers: MedGen C3539195, MONDO:0013888, OMIM 614782.
Amyotrophic lateral sclerosis type 6. Also called: FUS-Related Amyotrophic Laterial Sclerosis; AMYOTROPHIC LATERAL SCLEROSIS 6 WITHOUT FRONTOTEMPORAL DEMENTIA; Amyotrophic lateral sclerosis 6, with or without frontotemporal dementia. Identifiers: Orphanet 275872, Orphanet 803, MedGen C2931786, MONDO:0011951, OMIM 608030.

Submission:

Labcorp Genetics (formerly Invitae), Labcorp
Classification: Uncertain significance for Tremor, hereditary essential, 4; Amyotrophic lateral sclerosis type 6. Last evaluated: 2025-12-24. Review status: criteria provided, single submitter. Criteria: Invitae Variant Classification Sherloc (09022015). Collection method: clinical testing. Allele origin: germline.
Comment: This sequence change replaces proline, which is neutral and non-polar, with threonine, which is neutral and polar, at codon 106 of the FUS protein (p.Pro106Thr). This variant is not present in population databases (gnomAD no frequency). This variant has not been reported in the literature in individuals affected with FUS-related conditions. Experimental studies and prediction algorithms are not available or were not evaluated, and the functional significance of this variant is currently unknown. In summary, the available evidence is currently insufficient to determine the role of this variant in disease. Therefore, it has been classified as a Variant of Uncertain Significance.